The following is an entry in ClinVar:

NM_024642.5(GALNT12):c.1213-15T>C

Gene: GALNT12 (polypeptide N-acetylgalactosaminyltransferase 12; plus strand). Cytogenetic location: 9q22.33.
Variant type: single nucleotide variant.
Coding change: c.1213-15T>C on transcript NM_024642.5 (MANE Select); 15 bases into the intron before coding-DNA position 1213, T replaced by C.
Molecular consequence: intron variant.
Genome position (GRCh38, 1-based): chr9:98,839,987, T>C. VCF-style: chr9-98839987-T-C. GRCh37 (hg19) VCF-style: chr9-101602269-T-C.
Identifiers: ClinVar variation 4876151 (VCV004876151.1).

ClinVar aggregate classification (germline): Likely benign (1 of 4 stars; one submission).

Conditions:
Colorectal cancer, susceptibility to, 1. Also called: COLORECTAL ADENOMA AND CANCER, SUSCEPTIBILITY TO; COLORECTAL CANCER, SUSCEPTIBILITY TO, ON CHROMOSOME 9. Identifiers: MedGen C1837315, MONDO:0012132, OMIM 608812.

gnomAD v4.1: 1 of 1,613,940 alleles (0.000062%); highest among the groups gnomAD compares: Non-Finnish European, 0.000085%; no homozygotes.

Submission:

Myriad Genetics, Inc.
Classification: Likely benign for Colorectal cancer, susceptibility to, 1. Last evaluated: 2026-04-22. Review status: criteria provided, single submitter. Criteria: Myriad Autosomal Dominant, Autosomal Recessive and X-Linked Classification Criteria (2023). Collection method: clinical testing. Allele origin: unknown.
Comment: This variant is considered likely benign. This variant is intronic and is not expected to impact mRNA splicing.